The following is an entry in ClinVar:

NM_004304.5(ALK):c.2410G>A (p.Glu804Lys)

Gene: ALK (ALK receptor tyrosine kinase; minus strand). Cytogenetic location: 2p23.2.
Variant type: single nucleotide variant.
Coding change: c.2410G>A on transcript NM_004304.5 (MANE Select); coding-DNA position 2410, G replaced by A.
Protein change: p.Glu804Lys; replaces glutamic acid 804 with lysine.
Molecular consequence: missense variant.
Genome position (GRCh38, 1-based): chr2:29,233,642, C>T on the plus strand (G>A on the coding strand, the complement: ALK is on the minus strand). VCF-style: chr2-29233642-C-T. GRCh37 (hg19) VCF-style: chr2-29456508-C-T.
Other names: short protein forms E804K.
Identifiers: ClinVar variation 2078238 (VCV002078238.4), dbSNP rs2148184565, ClinGen allele CA346472347.

ClinVar aggregate classification (germline): Uncertain significance (1 of 4 stars; one submission).

Conditions:
Neuroblastoma, susceptibility to, 3. Also called: ALK-Related Neuroblastic Tumor Susceptibility. Identifiers: Orphanet 635, MedGen C2751681, MONDO:0013083, OMIM 613014.

Submission:

Labcorp Genetics (formerly Invitae), Labcorp
Classification: Uncertain significance for Neuroblastoma, susceptibility to, 3. Last evaluated: 2022-01-11. Review status: criteria provided, single submitter. Criteria: Invitae Variant Classification Sherloc (09022015). Collection method: clinical testing. Allele origin: germline.
Comment: In summary, the available evidence is currently insufficient to determine the role of this variant in disease. Therefore, it has been classified as a Variant of Uncertain Significance. Algorithms developed to predict the effect of missense changes on protein structure and function (SIFT, PolyPhen-2, Align-GVGD) all suggest that this variant is likely to be disruptive. This variant has not been reported in the literature in individuals affected with ALK-related conditions. This variant is not present in population databases (gnomAD no frequency). This sequence change replaces glutamic acid, which is acidic and polar, with lysine, which is basic and polar, at codon 804 of the ALK protein (p.Glu804Lys).